The following is an entry in ClinVar:

ClinVar aggregate classification (germline): Benign. Review status: criteria provided, multiple submitters, no conflicts (2 of 4 stars). 16 submissions from 15 submitters: Benign (12). 4 of the submissions do not count toward it. Last evaluated 2026-02-04.

Conditions:
Autosomal recessive spastic paraplegia type 78. Identifiers: Orphanet 513436, MedGen C5567893, MONDO:0014975, OMIM 617225.
Inborn genetic diseases. Identifiers: MedGen C0950123, MeSH D030342.
Kufor-Rakeb syndrome (KRS). Also called: PARKINSON DISEASE 9, AUTOSOMAL RECESSIVE, JUVENILE-ONSET. Identifiers: Orphanet 306674, Orphanet 314632, MedGen C1847640, MONDO:0011706, OMIM 606693.

Allele frequency attached by ClinVar (database versions not stated): 1000 Genomes Project 0.44848; 1000 Genomes Project 30x 0.45565; TOPMed 0.54410; gnomAD 0.54695 and 0.55111; ExAC 0.55397; gnomAD exomes 0.55631; ESP Exome Variant Server 0.56928.
gnomAD v4.1: 974,957 of 1,613,888 alleles (60%); highest among the groups gnomAD compares: Non-Finnish European, 64%; 299,947 homozygotes.

Submissions (16):

Labcorp Genetics (formerly Invitae), Labcorp
Classification: Benign for Kufor-Rakeb syndrome; Autosomal recessive spastic paraplegia type 78. Last evaluated: 2026-02-04. Review status: criteria provided, single submitter. Criteria: Invitae Variant Classification Sherloc (09022015). Collection method: clinical testing. Allele origin: germline.

Blueprint Genetics
Classification: Benign. Last evaluated: 2024-11-26. Review status: criteria provided, single submitter. Criteria: ACMG Guidelines, 2015. Collection method: clinical testing. Allele origin: germline.

Unidad de Genómica Garrahan, Hospital de Pediatría Garrahan
Classification: Benign. Last evaluated: 2024-07-15. Review status: criteria provided, single submitter. Criteria: ACMG Guidelines, 2015. Collection method: clinical testing. Allele origin: germline. Affected: no. Observed: 66 variant alleles.
Comment: This variant is classified as Benign based on local population frequency. This variant was detected in 71% of patients studied in a panel designed for Epileptic and Developmental Encephalopathy and Progressive Myoclonus Epilepsy. Number of patients: 66. Only high quality variants are reported.

Genome-Nilou Lab
Classification: Benign for Kufor-Rakeb syndrome. Last evaluated: 2021-07-14. Review status: criteria provided, single submitter. Criteria: ACMG Guidelines, 2015. Collection method: clinical testing. Allele origin: germline. Affected: no.

Genome-Nilou Lab
Classification: Benign for Autosomal recessive spastic paraplegia type 78. Last evaluated: 2021-07-14. Review status: criteria provided, single submitter. Criteria: ACMG Guidelines, 2015. Collection method: clinical testing. Allele origin: germline. Affected: no.

GeneDx
Classification: Benign. Last evaluated: 2018-07-05. Review status: criteria provided, single submitter. Criteria: GeneDx Variant Classification Process June 2021. Collection method: clinical testing. Allele origin: germline. Affected: yes.

Illumina Laboratory Services, Illumina
Classification: Benign for Kufor-Rakeb syndrome. Last evaluated: 2018-01-13. Review status: criteria provided, single submitter. Criteria: ICSL Variant Classification Criteria 13 December 2019. Collection method: clinical testing. Allele origin: germline.
Comment: This variant was observed in the ICSL laboratory as part of a predisposition screen in an ostensibly healthy population. It had not been previously curated by ICSL or reported in the Human Gene Mutation Database (HGMD: prior to June 1st, 2018), and was therefore a candidate for classification through an automated scoring system. Utilizing variant allele frequency, disease prevalence and penetrance estimates, and inheritance mode, an automated score was calculated to assess if this variant is too frequent to cause the disease. Based on the score and internal cut-off values, a variant classified as benign is not then subjected to further curation. The score for this variant resulted in a classification of benign for this disease.

Athena Diagnostics
Classification: Benign. Last evaluated: 2017-04-20. Review status: criteria provided, single submitter. Criteria: Athena Diagnostics Criteria. Collection method: clinical testing. Allele origin: germline.

Ambry Genetics
Classification: Benign for Inborn genetic diseases. Last evaluated: 2016-01-08. Review status: criteria provided, single submitter. Criteria: Ambry Variant Classification Scheme 2023. Collection method: clinical testing. Allele origin: germline.

Genetic Services Laboratory, University of Chicago
Classification: Benign for AllHighlyPenetrant. Last evaluated: 2013-08-15. Review status: criteria provided, single submitter. Criteria: ACMG Guidelines, 2007. Collection method: clinical testing. Allele origin: germline. Inheritance: Autosomal recessive inheritance.

Breakthrough Genomics
Classification: Benign. Review status: criteria provided, single submitter. Criteria: ACMG Guidelines, 2015. Collection method: not provided. Allele origin: germline. Inheritance: Autosomal recessive inheritance. Affected: yes.

PreventionGenetics, part of Exact Sciences
Classification: Benign. Review status: criteria provided, single submitter. Criteria: ACMG Guidelines, 2015. Collection method: clinical testing. Allele origin: germline.

Mayo Clinic Laboratories, Mayo Clinic
Classification: Benign. Last evaluated: 2015-10-19. Review status: no assertion criteria provided. Collection method: clinical testing. Allele origin: unknown. Not counted in ClinVar's aggregate classification.

Clinical Genetics DNA and cytogenetics Diagnostics Lab, Erasmus MC, Erasmus Medical Center
Classification: Benign. Review status: no assertion criteria provided. Collection method: clinical testing. Allele origin: germline. Affected: yes. Study: VKGL Data-share Consensus. Not counted in ClinVar's aggregate classification.

Genome Diagnostics Laboratory, Amsterdam University Medical Center
Classification: Benign. Review status: no assertion criteria provided. Collection method: clinical testing. Allele origin: germline. Affected: yes. Study: VKGL Data-share Consensus. Not counted in ClinVar's aggregate classification.

Joint Genome Diagnostic Labs from Nijmegen and Maastricht, Radboudumc and MUMC+
Classification: Benign. Review status: no assertion criteria provided. Collection method: clinical testing. Allele origin: germline. Affected: yes. Study: VKGL Data-share Consensus. Not counted in ClinVar's aggregate classification.

NM_022089.4(ATP13A2):c.1815C>T (p.Pro605=)

Gene: ATP13A2 (ATPase cation transporting 13A2; minus strand). Cytogenetic location: 1p36.13.
Variant type: single nucleotide variant.
Coding change: c.1815C>T on transcript NM_022089.4 (MANE Select); coding-DNA position 1815, C replaced by T.
Protein change: p.Pro605=; no amino-acid change (proline 605 retained).
Molecular consequence: synonymous variant.
Genome position (GRCh38, 1-based): chr1:16,992,516, G>A on the plus strand (C>T on the coding strand, the complement: ATP13A2 is on the minus strand). VCF-style: chr1-16992516-G-A. GRCh37 (hg19) VCF-style: chr1-17319011-G-A.
Other names: c.1800C>T, p.Pro600= (NM_001141973.3, NM_001141974.3).
Identifiers: ClinVar variation 128465 (VCV000128465.36), dbSNP rs2076603, ClinGen allele CA151946.